The following is an entry in ClinVar:

NM_006979.3(SLC39A7):c.43C>A (p.Leu15Met)

Gene: SLC39A7 (solute carrier family 39 member 7; plus strand). Cytogenetic location: 6p21.32.
Variant type: single nucleotide variant.
Coding change: c.43C>A on transcript NM_006979.3 (MANE Select); coding-DNA position 43, C replaced by A.
Protein change: p.Leu15Met; replaces leucine 15 with methionine.
Molecular consequence: missense variant. On other transcripts: 5 prime UTR variant (1).
Genome position (GRCh38, 1-based): chr6:33,201,288, C>A. VCF-style: chr6-33201288-C-A. GRCh37 (hg19) VCF-style: chr6-33169065-C-A.
Other names: c.43C>A, p.Leu15Met (NM_001077516.2); c.-49C>A (NM_001288777.2); short protein forms L15M.
Identifiers: ClinVar variation 1370362 (VCV001370362.6), dbSNP rs2150680953, ClinGen allele CA363633349.
Genomic context (GRCh38, chr6:33,201,288, plus strand): 5'-GTCCCTCTGGTCAGCGTGATGGCCAGAGGCCTGGGGGCCCCCCACTGGGTGGCCGTGGGA[C>A]TGCTGACCTGGGCGACCTTGGGGCTTCTGGTGGCTGGACTCGGGGGTCATGACGACCTGC-3'
Protein context (NP_008910.2, residues 5-25): LGAPHWVAVG[Leu15Met]LTWATLGLLV

ClinVar aggregate classification (germline): Uncertain significance (1 of 4 stars; one submission).

Submission:

Labcorp Genetics (formerly Invitae), Labcorp
Classification: Uncertain significance. Last evaluated: 2022-11-08. Review status: criteria provided, single submitter. Criteria: Invitae Variant Classification Sherloc (09022015). Collection method: clinical testing. Allele origin: germline.
Comment: ClinVar contains an entry for this variant (Variation ID: 1370362). This variant has not been reported in the literature in individuals affected with SLC39A7-related conditions. This variant is not present in population databases (gnomAD no frequency). This sequence change replaces leucine, which is neutral and non-polar, with methionine, which is neutral and non-polar, at codon 15 of the SLC39A7 protein (p.Leu15Met). Algorithms developed to predict the effect of missense changes on protein structure and function (SIFT, PolyPhen-2, Align-GVGD) all suggest that this variant is likely to be tolerated. In summary, the available evidence is currently insufficient to determine the role of this variant in disease. Therefore, it has been classified as a Variant of Uncertain Significance.